The following is an entry in ClinVar:

ClinVar aggregate classification (germline): Uncertain significance (1 of 4 stars; one submission).

Allele frequency attached by ClinVar (database versions not stated): gnomAD exomes 0.00003; gnomAD 0.00005; TOPMed 0.00012.
gnomAD v4.1: 56 of 1,590,590 alleles (0.0035%); highest among the groups gnomAD compares: Admixed American, 0.01%; no homozygotes.

Submission:

Labcorp Genetics (formerly Invitae), Labcorp
Classification: Uncertain significance. Last evaluated: 2025-10-13. Review status: criteria provided, single submitter. Criteria: Invitae Variant Classification Sherloc (09022015). Collection method: clinical testing. Allele origin: germline.
Comment: This sequence change falls in intron 7 of the DSG1 gene. It does not directly change the encoded amino acid sequence of the DSG1 protein. This variant is present in population databases (no rsID available, gnomAD 0.002%). This variant has not been reported in the literature in individuals affected with DSG1-related conditions. ClinVar contains an entry for this variant (Variation ID: 2081955). Algorithms developed to predict the effect of sequence changes on RNA splicing suggest that this variant may disrupt the consensus splice site. In summary, the available evidence is currently insufficient to determine the role of this variant in disease. Therefore, it has been classified as a Variant of Uncertain Significance.

NM_001942.4(DSG1):c.820-5T>C

Gene: DSG1 (desmoglein 1; plus strand). Cytogenetic location: 18q12.1.
Variant type: single nucleotide variant.
Coding change: c.820-5T>C on transcript NM_001942.4 (MANE Select); 5 bases into the intron before coding-DNA position 820, T replaced by C.
Molecular consequence: intron variant.
Genome position (GRCh38, 1-based): chr18:31,334,012, T>C. VCF-style: chr18-31334012-T-C. GRCh37 (hg19) VCF-style: chr18-28913975-T-C.
Identifiers: ClinVar variation 2081955 (VCV002081955.4), dbSNP rs887111701, ClinGen allele CA297694365.